The following is an entry in ClinVar:

ClinVar aggregate classification (germline): Uncertain significance. Review status: criteria provided, multiple submitters, no conflicts (2 of 4 stars). 2 submissions from 2 submitters: Uncertain significance (2). Last evaluated 2025-06-20.

Allele frequency attached by ClinVar (database versions not stated): TOPMed 0.00012; gnomAD 0.00014.
gnomAD v4.1: 327 of 1,529,908 alleles (0.021%); highest among the groups gnomAD compares: Non-Finnish European, 0.028%; no homozygotes.

Submissions (2):

Labcorp Genetics (formerly Invitae), Labcorp
Classification: Uncertain significance. Last evaluated: 2025-06-20. Review status: criteria provided, single submitter. Criteria: Invitae Variant Classification Sherloc (09022015). Collection method: clinical testing. Allele origin: germline.
Comment: This sequence change replaces leucine, which is neutral and non-polar, with phenylalanine, which is neutral and non-polar, at codon 568 of the FUK protein (p.Leu568Phe). This variant is present in population databases (rs577154807, gnomAD 0.03%). This variant has not been reported in the literature in individuals affected with FUK-related conditions. ClinVar contains an entry for this variant (Variation ID: 2071286). An algorithm developed to predict the effect of missense changes on protein structure and function (PolyPhen-2) suggests that this variant is likely to be tolerated. In summary, the available evidence is currently insufficient to determine the role of this variant in disease. Therefore, it has been classified as a Variant of Uncertain Significance.

Ambry Genetics
Classification: Uncertain significance. Last evaluated: 2024-04-08. Review status: criteria provided, single submitter. Criteria: Ambry Variant Classification Scheme 2023. Collection method: clinical testing. Allele origin: germline.

NM_145059.3(FCSK):c.1702C>T (p.Leu568Phe)

Gene: FCSK (fucose kinase; plus strand). Cytogenetic location: 16q22.1.
Variant type: single nucleotide variant.
Coding change: c.1702C>T on transcript NM_145059.3 (MANE Select); coding-DNA position 1702, C replaced by T.
Protein change: p.Leu568Phe; replaces leucine 568 with phenylalanine.
Molecular consequence: missense variant.
Genome position (GRCh38, 1-based): chr16:70,473,278, C>T. VCF-style: chr16-70473278-C-T. GRCh37 (hg19) VCF-style: chr16-70507181-C-T.
Other names: c.1702C>T (NM_145059.2); short protein forms L568F.
Identifiers: ClinVar variation 2071286 (VCV002071286.5), dbSNP rs577154807, ClinGen allele CA283470926.